The following is an entry in ClinVar:

NM_000088.4(COL1A1):c.2560G>C (p.Gly854Arg)

Gene: COL1A1 (collagen type I alpha 1 chain; minus strand). Cytogenetic location: 17q21.33.
Variant type: single nucleotide variant.
Coding change: c.2560G>C on transcript NM_000088.4 (MANE Select); coding-DNA position 2560, G replaced by C.
Protein change: p.Gly854Arg; replaces glycine 854 with arginine.
Molecular consequence: missense variant.
Genome position (GRCh38, 1-based): chr17:50,189,912, C>G on the plus strand (G>C on the coding strand, the complement: COL1A1 is on the minus strand). VCF-style: chr17-50189912-C-G. GRCh37 (hg19) VCF-style: chr17-48267273-C-G.
Other names: short protein forms G854R.
Identifiers: ClinVar variation 581481 (VCV000581481.9), dbSNP rs72653140, ClinGen allele CA400207402.

ClinVar aggregate classification (germline): Pathogenic (1 of 4 stars; one submission).

Conditions:
Osteogenesis imperfecta type I (OI1). Also called: Osteogenesis imperfecta type 1; Classic Non-deforming Osteogenesis Imperfecta with Blue Sclerae; Lobstein's Disease; OI, TYPE I; OSTEOGENESIS IMPERFECTA TARDA; OSTEOGENESIS IMPERFECTA WITH BLUE SCLERAE. Identifiers: Orphanet 216796, Orphanet 666, MedGen C0023931, MONDO:0008146, OMIM 166200. Disease mechanism: loss of function.

Submission:

Labcorp Genetics (formerly Invitae), Labcorp
Classification: Pathogenic for Osteogenesis imperfecta type I. Last evaluated: 2018-02-14. Review status: criteria provided, single submitter. Criteria: Invitae Variant Classification Sherloc (09022015). Collection method: clinical testing. Allele origin: germline.
Comment: This variant has been reported in individuals affected with osteogenesis imperfecta (OI) (PMID: 21520333, Invitae). For these reasons, this variant has been classified as Pathogenic. This missense change is located within a functionally conserved triple helix domain of the COL1A1 protein and variants that affect the glycine residue in Gly-Xaa-Yaa repeats of the collagen triple helix are known to disrupt protein folding and stability (PMID: 8218237, 7695699). Other missense substitutions at this codon (p.Gly854Cys and p.Gly854Ser) have been reported in individuals affected with OI (PMID: 27509835, 17078022). This variant is not present in population databases (ExAC no frequency). This sequence change replaces glycine with arginine at codon 854 of the COL1A1 protein (p.Gly854Arg). The glycine residue is highly conserved and there is a moderate physicochemical difference between glycine and arginine.

Literature cited by the submitters: PubMed 21520333; PubMed 8218237; PubMed 7695699; PubMed 27509835; PubMed 17078022.